The following is an entry in ClinVar:

ClinVar aggregate classification (germline): Uncertain significance. Review status: criteria provided, multiple submitters, no conflicts (2 of 4 stars). 2 submissions from 2 submitters: Uncertain significance (2). Last evaluated 2025-09-12.

Conditions:
LIPA-related disorder. Also called: LIPA-related condition; LIPA-related disorders.
Wolman disease (WOLD). Also called: Acid cholesteryl ester hydrolase deficiency, Wolman type; Acid lipase disease; Infantile-Onset LAL-D (Wolman Disease); Wolman disease, CESD; LYSOSOMAL ACID LIPASE DEFICIENCY, ACUTE INFANTILE; LYSOSOMAL ACID LIPASE DEFICIENCY, COMPLETE. Identifiers: Orphanet 75233, MedGen C0043208, MONDO:0019148, OMIM 620151.

Allele frequency attached by ClinVar (database versions not stated): gnomAD exomes 0.00001.
gnomAD v4.1: 8 of 1,614,240 alleles (0.0005%); highest among the groups gnomAD compares: Non-Finnish European, 0.00068%; no homozygotes.

Submissions (2):

PreventionGenetics, part of Exact Sciences
Classification: Uncertain significance for LIPA-related condition. Last evaluated: 2025-09-12. Review status: criteria provided, single submitter. Criteria: ACMG Guidelines, 2015. Collection method: clinical testing. Allele origin: germline.
Comment: The LIPA c.257A>G variant is predicted to result in the amino acid substitution p.His86Arg. To our knowledge, this variant has not been reported in the literature or in a large population database, indicating this variant is rare. The p.His86 residue is highly conserved. Of note, different substitutions at the same and other flanking highly conserved codons have been reported in individuals with LIPA-related disorders (p.His86Tyr, Ruiz-Andrés et al. 2017. PubMed ID: 28220406; p.Gln85Arg, p.Gln85Lys, and p.Gly87Val, Vinje et al. 2019. PubMed ID: 31131398; Vinje et al. 2018. PubMed ID: 29196158). Although we suspect that the c.257A>G (p.His86Arg) variant is pathogenic, at this time, the clinical significance of this variant is uncertain due to the absence of conclusive functional and genetic evidence.

Labcorp Genetics (formerly Invitae), Labcorp
Classification: Uncertain significance for Wolman disease. Last evaluated: 2024-03-19. Review status: criteria provided, single submitter. Criteria: Invitae Variant Classification Sherloc (09022015). Collection method: clinical testing. Allele origin: germline.
Comment: This sequence change replaces histidine, which is basic and polar, with arginine, which is basic and polar, at codon 86 of the LIPA protein (p.His86Arg). This variant is not present in population databases (gnomAD no frequency). This missense change has been observed in individual(s) with clinical features of lysosomal acid lipase (LAL) deficiency (Invitae). ClinVar contains an entry for this variant (Variation ID: 1390898). Advanced modeling of protein sequence and biophysical properties (such as structural, functional, and spatial information, amino acid conservation, physicochemical variation, residue mobility, and thermodynamic stability) performed at Invitae indicates that this missense variant is expected to disrupt LIPA protein function with a positive predictive value of 80%. This variant disrupts the p.His86 amino acid residue in LIPA. Other variant(s) that disrupt this residue have been observed in individuals with LIPA-related conditions (PMID: 28220406), which suggests that this may be a clinically significant amino acid residue. In summary, the available evidence is currently insufficient to determine the role of this variant in disease. Therefore, it has been classified as a Variant of Uncertain Significance.

Literature cited by the submitters: PubMed 28220406 (cited by Labcorp Genetics (formerly Invitae), Labcorp).

NM_000235.4(LIPA):c.257A>G (p.His86Arg)

Gene: LIPA (lipase A, lysosomal acid type; minus strand). Cytogenetic location: 10q23.31.
Variant type: single nucleotide variant.
Coding change: c.257A>G on transcript NM_000235.4 (MANE Select); coding-DNA position 257, A replaced by G.
Protein change: p.His86Arg; replaces histidine 86 with arginine.
Molecular consequence: missense variant. On other transcripts: 5 prime UTR variant (1).
Genome position (GRCh38, 1-based): chr10:89,228,371, T>C on the plus strand (A>G on the coding strand, the complement: LIPA is on the minus strand). VCF-style: chr10-89228371-T-C. GRCh37 (hg19) VCF-style: chr10-90988128-T-C.
Other names: c.257A>G (NM_000235.3); c.257A>G, p.His86Arg (NM_001127605.3); c.-92A>G (NM_001288979.2); short protein forms H86R.
Identifiers: ClinVar variation 1390898 (VCV001390898.9), dbSNP rs1842798350, ClinGen allele CA377518101.